The following is an entry in ClinVar:

NM_020207.7(ERCC6L2):c.1036A>G (p.Thr346Ala)

Gene: ERCC6L2 (ERCC excision repair 6 like 2; plus strand). Cytogenetic location: 9q22.32.
Variant type: single nucleotide variant.
Coding change: c.1036A>G on transcript NM_020207.7 (MANE Select); coding-DNA position 1036, A replaced by G.
Protein change: p.Thr346Ala; replaces threonine 346 with alanine.
Molecular consequence: missense variant. On other transcripts: non-coding transcript variant (1).
Genome position (GRCh38, 1-based): chr9:95,916,312, A>G. VCF-style: chr9-95916312-A-G. GRCh37 (hg19) VCF-style: chr9-98678594-A-G.
Other names: c.1036A>G, p.Thr346Ala (NM_001010895.4, NM_001375291.1, NM_001375292.1 and 2 more transcripts); short protein forms T346A.
Identifiers: ClinVar variation 4250637 (VCV004250637.1).

ClinVar aggregate classification (germline): Uncertain significance (1 of 4 stars; one submission).

Conditions:
Inborn genetic diseases. Identifiers: MedGen C0950123, MeSH D030342.

gnomAD v4.1: 6 of 1,614,050 alleles (0.00037%); highest among the groups gnomAD compares: Non-Finnish European, 0.00051%; no homozygotes.

Submission:

Ambry Genetics
Classification: Uncertain significance for Inborn genetic diseases. Last evaluated: 2025-08-31. Review status: criteria provided, single submitter. Criteria: Ambry Variant Classification Scheme 2023. Collection method: clinical testing. Allele origin: germline.
Comment: The p.T346A variant (also known as c.1036A>G), located in coding exon 6 of the ERCC6L2 gene, results from an A to G substitution at nucleotide position 1036. The threonine at codon 346 is replaced by alanine, an amino acid with similar properties. This amino acid position is conserved. In addition, this alteration is predicted to be deleterious by in silico analysis. Based on the available evidence, the clinical significance of this variant remains unclear.